The following is an entry in ClinVar:

NM_177438.3(DICER1):c.3452T>C (p.Val1151Ala)

Gene: DICER1 (dicer 1, ribonuclease III; minus strand). Cytogenetic location: 14q32.13.
Variant type: single nucleotide variant.
Coding change: c.3452T>C on transcript NM_177438.3 (MANE Select); coding-DNA position 3452, T replaced by C.
Protein change: p.Val1151Ala; replaces valine 1151 with alanine.
Molecular consequence: missense variant.
Genome position (GRCh38, 1-based): chr14:95,103,944, A>G on the plus strand (T>C on the coding strand, the complement: DICER1 is on the minus strand). VCF-style: chr14-95103944-A-G. GRCh37 (hg19) VCF-style: chr14-95570281-A-G.
Other names: c.3452T>C, p.Val1151Ala (NM_001195573.1, NM_001271282.3, NM_001291628.2 and 1 more transcripts); short protein forms V1151A.
Identifiers: ClinVar variation 1505649 (VCV001505649.12), dbSNP rs1321219152, ClinGen allele CA390875368.

ClinVar aggregate classification (germline): Uncertain significance. Review status: criteria provided, multiple submitters, no conflicts (2 of 4 stars). 2 submissions from 2 submitters: Uncertain significance (2). Last evaluated 2025-01-25.

Conditions:
DICER1-related tumor predisposition. Also called: DICER1 syndrome; DICER1-related pleuropulmonary blastoma cancer predisposition syndrome. Identifiers: Orphanet 284343, MedGen C3839822, MONDO:0100216.
Hereditary cancer-predisposing syndrome. Also called: Tumor predisposition; Hereditary neoplastic syndrome; Neoplastic Syndromes, Hereditary; Hereditary Cancer Syndrome. Identifiers: Orphanet 140162, MedGen C0027672, MeSH D009386, MONDO:0015356.

Allele frequency attached by ClinVar (database versions not stated): gnomAD exomes below 0.00001; TOPMed below 0.00001; gnomAD 0.00001.
gnomAD v4.1: 3 of 1,614,086 alleles (0.00019%); highest among the groups gnomAD compares: African/African-American, 0.004%; no homozygotes.

Submissions (2):

Labcorp Genetics (formerly Invitae), Labcorp
Classification: Uncertain significance for DICER1-related tumor predisposition. Last evaluated: 2025-01-25. Review status: criteria provided, single submitter. Criteria: Invitae Variant Classification Sherloc (09022015). Collection method: clinical testing. Allele origin: germline.
Comment: This sequence change replaces valine, which is neutral and non-polar, with alanine, which is neutral and non-polar, at codon 1151 of the DICER1 protein (p.Val1151Ala). This variant is not present in population databases (gnomAD no frequency). This variant has not been reported in the literature in individuals affected with DICER1-related conditions. ClinVar contains an entry for this variant (Variation ID: 1505649). Invitae Evidence Modeling of protein sequence and biophysical properties (such as structural, functional, and spatial information, amino acid conservation, physicochemical variation, residue mobility, and thermodynamic stability) indicates that this missense variant is not expected to disrupt DICER1 protein function with a negative predictive value of 95%. In summary, the available evidence is currently insufficient to determine the role of this variant in disease. Therefore, it has been classified as a Variant of Uncertain Significance.

Ambry Genetics
Classification: Uncertain significance for Hereditary cancer-predisposing syndrome. Last evaluated: 2024-12-23. Review status: criteria provided, single submitter. Criteria: Ambry Variant Classification Scheme 2023. Collection method: clinical testing. Allele origin: germline.
Comment: The p.V1151A variant (also known as c.3452T>C), located in coding exon 20 of the DICER1 gene, results from a T to C substitution at nucleotide position 3452. The valine at codon 1151 is replaced by alanine, an amino acid with similar properties. This amino acid position is well conserved in available vertebrate species. In addition, the in silico prediction for this alteration is inconclusive. Based on the available evidence, the clinical significance of this variant remains unclear.